The following is an entry in ClinVar:

ClinVar aggregate classification (germline): Pathogenic. Review status: reviewed by expert panel (3 of 4 stars). 3 submissions from 3 submitters: Pathogenic (1). 2 of the submissions do not count toward it. Last evaluated 2017-12-15.

Conditions:
Breast-ovarian cancer, familial, susceptibility to, 2 (BROVCA2). Also called: BRCA2 Hereditary Breast and Ovarian Cancer. Identifiers: Orphanet 145, MedGen C2675520, MONDO:0012933, OMIM 612555. Disease mechanism: loss of function.
Hereditary cancer-predisposing syndrome. Also called: Hereditary Cancer Syndrome; Hereditary neoplastic syndrome; Tumor predisposition; Neoplastic Syndromes, Hereditary. Identifiers: Orphanet 140162, MedGen C0027672, MeSH D009386, MONDO:0015356.
Hereditary breast ovarian cancer syndrome. Also called: Hereditary breast and ovarian cancer syndrome; BRCA1- and BRCA2-Associated Hereditary Breast and Ovarian Cancer; Hereditary breast and ovarian cancer syndrome (HBOC); Hereditary breast and/or ovarian cancer syndrome; Hereditary breast and ovarian cancer; Breast and ovarian cancer. Identifiers: Orphanet 145, MedGen C0677776, MeSH D061325, MONDO:0003582. Disease mechanism: loss of function.

Allele frequency attached by ClinVar (database versions not stated): gnomAD exomes below 0.00001.

Submissions (3):

Evidence-based Network for the Interpretation of Germline Mutant Alleles (ENIGMA)
Classification: Pathogenic for Breast-ovarian cancer, familial, susceptibility to, 2. Last evaluated: 2017-12-15. Review status: reviewed by expert panel. Criteria: ENIGMA BRCA1/2 Classification Criteria (2017-06-29). Collection method: curation. Allele origin: germline. Study: ENIGMA.
Comment: Variant allele predicted to encode a truncated non-functional protein.

Labcorp Genetics (formerly Invitae), Labcorp
Classification: Pathogenic for Hereditary breast ovarian cancer syndrome. Last evaluated: 2024-11-27. Review status: criteria provided, single submitter. Criteria: Invitae Variant Classification Sherloc (09022015). Collection method: clinical testing. Allele origin: germline. Not counted in ClinVar's aggregate classification.
Comment: This sequence change creates a premature translational stop signal (p.Ser1971Leufs*33) in the BRCA2 gene. It is expected to result in an absent or disrupted protein product. Loss-of-function variants in BRCA2 are known to be pathogenic (PMID: 20104584). This variant is not present in population databases (gnomAD no frequency). This variant has not been reported in the literature in individuals affected with BRCA2-related conditions. ClinVar contains an entry for this variant (Variation ID: 441293). For these reasons, this variant has been classified as Pathogenic.

Ambry Genetics
Classification: Pathogenic for Hereditary cancer-predisposing syndrome. Last evaluated: 2015-10-27. Review status: criteria provided, single submitter. Criteria: Ambry Variant Classification Scheme 2023. Collection method: clinical testing. Allele origin: germline. Not counted in ClinVar's aggregate classification.
Comment: The c.5912delC pathogenic mutation, located in coding exon 10 of the BRCA2 gene, results from a deletion of one nucleotide at nucleotide position 5912, causing a translational frameshift with a predicted alternate stop codon. Since frameshifts are typically deleterious in nature, this alteration is interpreted as a disease-causing mutation (ACMG Recommendations for Standards for Interpretation and Reporting of Sequence Variations. Revision 2007. Genet Med. 2008;10:294).

Literature cited by the submitters: PubMed 20104584 (cited by Labcorp Genetics (formerly Invitae), Labcorp).

NM_000059.4(BRCA2):c.5912del (p.Ser1971fs)

Gene: BRCA2 (BRCA2 DNA repair associated; plus strand). Cytogenetic location: 13q13.1.
Variant type: Deletion.
Coding change: c.5912del on transcript NM_000059.4 (MANE Select); coding-DNA position 5912, one base deleted (C; older notation c.5912delC).
Protein change: p.Ser1971fs; shifts the reading frame from serine 1971.
Molecular consequence: frameshift variant.
Genome position (GRCh38, 1-based): chr13:32,340,267, C deleted. VCF-style (leftmost placement, unchanged base first): chr13-32340266-TC-T. GRCh37 (hg19) VCF-style: chr13-32914403-TC-T.
Other names: c.5912delC (NM_000059.3); short protein forms S1971fs.
Identifiers: ClinVar variation 441293 (VCV000441293.7), dbSNP rs1555284458, ClinGen allele CA658653657.